The following is an entry in ClinVar:

NM_002617.4(PEX10):c.219C>A (p.Tyr73Ter)

Gene: PEX10 (peroxisomal biogenesis factor 10; minus strand). Cytogenetic location: 1p36.32.
Variant type: single nucleotide variant.
Coding change: c.219C>A on transcript NM_002617.4 (MANE Select); coding-DNA position 219, C replaced by A.
Protein change: p.Tyr73Ter; replaces tyrosine 73 with a stop codon.
Molecular consequence: nonsense. On other transcripts: 5 prime UTR variant (2), non-coding transcript variant (1).
Genome position (GRCh38, 1-based): chr1:2,408,833, G>T on the plus strand (C>A on the coding strand, the complement: PEX10 is on the minus strand). VCF-style: chr1-2408833-G-T. GRCh37 (hg19) VCF-style: chr1-2340272-G-T.
Other names: c.219C>A, p.Tyr73Ter (NM_001374425.1, NM_153818.2); c.-214C>A (NM_001374426.1, NM_001374427.1); short protein forms Y73*.
Identifiers: ClinVar variation 5012693 (VCV005012693.1).
Genomic context (GRCh38, chr1:2,408,833, plus strand): 5'-GCCACGGCGCAGCGAGGAGGGCACATGTATCCGCGATGGGTCCACCTGGATGATGCTGAC[G>T]TACTCCTCCCCCAGGGTCTGGTAGCCTGCGAGGAAGAGGATGGGTATGTGGACCCTGAGA-3'

ClinVar aggregate classification (germline): Pathogenic (1 of 4 stars; one submission).

Conditions:
Peroxisome biogenesis disorder. Identifiers: Orphanet 79189, MedGen C1832200, MONDO:0019234. Disease mechanism: loss of function.

Submission:

Myriad Genetics, Inc.
Classification: Pathogenic for Peroxisome biogenesis disorder. Last evaluated: 2024-01-30. Review status: criteria provided, single submitter. Criteria: Myriad Autosomal Dominant, Autosomal Recessive and X-Linked Classification Criteria (2023). Collection method: clinical testing. Allele origin: unknown.
Comment: NM_153818.1(PEX10):c.219C>A(Y73*) is expected to be pathogenic in the context of peroxisome biogenesis disorder type 6. This variant is predicted to lead to an abnormal or absent protein product due to the creation of a premature termination codon in PEX10, a gene where loss-of-function variants are known to be pathogenic. Please note: this variant was assessed in the context of healthy population screening.